The following is an entry in ClinVar:

NM_033028.5(BBS4):c.1193T>C (p.Met398Thr)

Gene: BBS4 (Bardet-Biedl syndrome 4; plus strand). Cytogenetic location: 15q24.1.
Variant type: single nucleotide variant.
Coding change: c.1193T>C on transcript NM_033028.5 (MANE Select); coding-DNA position 1193, T replaced by C.
Protein change: p.Met398Thr; replaces methionine 398 with threonine.
Molecular consequence: missense variant. On other transcripts: non-coding transcript variant (2).
Genome position (GRCh38, 1-based): chr15:72,735,911, T>C. VCF-style: chr15-72735911-T-C. GRCh37 (hg19) VCF-style: chr15-73028252-T-C.
Other names: c.1193T>C (NM_033028.4, NM_033028.3); c.677T>C, p.Met226Thr (NM_001252678.2); c.1124T>C, p.Met375Thr (NM_001320665.2); short protein forms M226T, M398T, M375T.
Identifiers: ClinVar variation 1386617 (VCV001386617.12), dbSNP rs760437306, ClinGen allele CA7646941.

ClinVar aggregate classification (germline): Uncertain significance. Review status: criteria provided, multiple submitters, no conflicts (2 of 4 stars). 6 submissions from 6 submitters: Uncertain significance (6). Last evaluated 2026-06-17.

Conditions:
Bardet-Biedl syndrome (BBS). Identifiers: Orphanet 110, MedGen C0752166, MONDO:0015229.
Bardet-Biedl syndrome 4 (BBS4). Identifiers: Orphanet 110, MedGen C2936864, MONDO:0014433, OMIM 615982.
BBS4-related disorder. Also called: BBS4-related condition.
Inborn genetic diseases. Identifiers: MedGen C0950123, MeSH D030342.

Allele frequency attached by ClinVar (database versions not stated): gnomAD exomes below 0.00001 and 0.00001; ExAC 0.00002; gnomAD 0.00003 and 0.00004; TOPMed 0.00004.
gnomAD v4.1: 11 of 1,613,956 alleles (0.00068%); highest among the groups gnomAD compares: African/African-American, 0.008%; no homozygotes.

Submissions (6):

PreventionGenetics, part of Exact Sciences
Classification: Uncertain significance for BBS4-related condition. Last evaluated: 2026-06-17. Review status: criteria provided, single submitter. Criteria: ACMG Guidelines, 2015. Collection method: clinical testing. Allele origin: germline.
Comment: The BBS4 c.1193T>C variant is predicted to result in the amino acid substitution p.Met398Thr. To our knowledge, this variant has not been reported in the literature. This variant is reported in 0.0080% of alleles in individuals of African descent in gnomAD. At this time, the clinical significance of this variant is uncertain due to the absence of conclusive functional and genetic evidence.

Ambry Genetics
Classification: Uncertain significance for Inborn genetic diseases. Last evaluated: 2024-01-23. Review status: criteria provided, single submitter. Criteria: Ambry Variant Classification Scheme 2023. Collection method: clinical testing. Allele origin: germline.

Labcorp Genetics (formerly Invitae), Labcorp
Classification: Uncertain significance for Bardet-Biedl syndrome. Last evaluated: 2023-12-18. Review status: criteria provided, single submitter. Criteria: Invitae Variant Classification Sherloc (09022015). Collection method: clinical testing. Allele origin: germline.
Comment: This sequence change replaces methionine, which is neutral and non-polar, with threonine, which is neutral and polar, at codon 398 of the BBS4 protein (p.Met398Thr). This variant is present in population databases (rs760437306, gnomAD 0.008%). This variant has not been reported in the literature in individuals affected with BBS4-related conditions. ClinVar contains an entry for this variant (Variation ID: 1386617). Advanced modeling of protein sequence and biophysical properties (such as structural, functional, and spatial information, amino acid conservation, physicochemical variation, residue mobility, and thermodynamic stability) performed at Invitae indicates that this missense variant is not expected to disrupt BBS4 protein function with a negative predictive value of 80%. In summary, the available evidence is currently insufficient to determine the role of this variant in disease. Therefore, it has been classified as a Variant of Uncertain Significance.

Fulgent Genetics
Classification: Uncertain significance for Bardet-Biedl syndrome 4. Last evaluated: 2022-04-25. Review status: criteria provided, single submitter. Criteria: ACMG Guidelines, 2015. Collection method: clinical testing. Allele origin: unknown.

New York Genome Center
Classification: Uncertain significance for Bardet-Biedl syndrome 4. Last evaluated: 2021-12-20. Review status: criteria provided, single submitter. Criteria: NYGC Assertion Criteria 2020. Collection method: clinical testing. Allele origin: germline. Observed: 1 variant allele.

Blueprint Genetics
Classification: Uncertain significance. Last evaluated: 2021-09-03. Review status: criteria provided, single submitter. Criteria: ACMG Guidelines, 2015. Collection method: clinical testing. Allele origin: germline.